The following is an entry in ClinVar:

NM_000548.5(TSC2):c.4470_4471del (p.Lys1491fs)

Gene: TSC2 (TSC complex subunit 2; plus strand). Cytogenetic location: 16p13.3.
Variant type: Microsatellite.
Coding change: c.4470_4471del on transcript NM_000548.5 (MANE Select); coding-DNA positions 4470 to 4471, 2 bases deleted (GA; older notation c.4470_4471delGA).
Protein change: p.Lys1491fs; shifts the reading frame from lysine 1491.
Molecular consequence: frameshift variant.
Genome position (GRCh38, 1-based): chr16:2,084,692-2,084,693, GA deleted; deleting any 2 consecutive bases within chr16:2,084,689-2,084,693 gives the same sequence; the c. name uses the placement nearest the transcript's 3' end. VCF-style (leftmost placement, unchanged base first): chr16-2084688-CAG-C. GRCh37 (hg19) VCF-style: chr16-2134689-CAG-C.
Other names: c.4269_4270del, p.Lys1424fs (NM_001077183.3); c.4401_4402del, p.Lys1468fs (NM_001114382.3); c.4161_4162del, p.Lys1388fs (NM_001318827.2); c.4125_4126del, p.Lys1376fs (NM_001318829.2); c.3738_3739del, p.Lys1247fs (NM_001318831.2); c.4302_4303del, p.Lys1435fs (NM_001318832.2); c.4272_4273del, p.Lys1425fs (NM_001363528.2); c.4338_4339del, p.Lys1447fs (NM_001370404.1); and 1 more; short protein forms K1435fs, K1468fs, K1424fs, K1447fs, K1247fs, K1376fs, K1425fs, K1491fs.
Identifiers: ClinVar variation 1452919 (VCV001452919.6), dbSNP rs2151537568, ClinGen allele CA2580612742.

ClinVar aggregate classification (germline): Pathogenic (1 of 4 stars; one submission).

Conditions:
Tuberous sclerosis 2 (TSC2). Identifiers: Orphanet 805, MedGen C1860707, MONDO:0013199, OMIM 613254.

Submission:

Labcorp Genetics (formerly Invitae), Labcorp
Classification: Pathogenic for Tuberous sclerosis 2. Last evaluated: 2021-12-03. Review status: criteria provided, single submitter. Criteria: Invitae Variant Classification Sherloc (09022015). Collection method: clinical testing. Allele origin: germline.
Comment: For these reasons, this variant has been classified as Pathogenic. This premature translational stop signal has been observed in individual(s) with clinical features of tuberous sclerosis complex (PMID: 21056333, 32383331). This variant is not present in population databases (gnomAD no frequency). This sequence change creates a premature translational stop signal (p.Lys1491Serfs*32) in the TSC2 gene. It is expected to result in an absent or disrupted protein product. Loss-of-function variants in TSC2 are known to be pathogenic (PMID: 10205261, 17304050).

Literature cited by the submitters: PubMed 21056333; PubMed 32383331; PubMed 10205261; PubMed 17304050.